The following is an entry in ClinVar:

GRCh38/hg38 15q13.2-13.3(chr15:30361674-32607357)x3

Genes: ARHGAP11A-DT (ARHGAP11A divergent transcript; minus strand), ARHGAP11B (Rho GTPase activating protein 11B), ARHGAP11B-DT (ARHGAP11B divergent transcript), CHRFAM7A (CHRNA7 (exons 5-10) and FAM7A (exons A-E) fusion; minus strand), CHRNA7 (cholinergic receptor nicotinic alpha 7 subunit) and 39 more. Cytogenetic location: 15q13.2-13.3.
Variant type: copy number gain.
Change: copy number 3 (three copies instead of two) of chr15:30,361,674-32,607,357 (2.25 Mb, GRCh38 coordinates, 1-based), cytogenetic band 15q13.2-13.3.
Identifiers: ClinVar variation 160928 (VCV000160928.1).

ClinVar aggregate classification (germline): Uncertain significance (1 of 4 stars; one submission).

Submission:

ISCA site 14
Classification: Uncertain significance. Last evaluated: 2011-08-12. Review status: criteria provided, single submitter. Criteria: Kaminsky et al. (Genet Med. 2011). Collection method: clinical testing. Allele origin: unknown. Affected: yes. Observed: 1 variant allele.
Comment: Copy number variation identified through the course of routine clinical cytogenomic testing in postnatal populations. Clinical assertions have been curated as described in Kaminsky et al. 2011.